The following is an entry in ClinVar:

NM_000245.4(MET):c.1961A>G (p.Tyr654Cys)

Gene: MET (MET proto-oncogene, receptor tyrosine kinase; plus strand). Cytogenetic location: 7q31.2.
Variant type: single nucleotide variant.
Coding change: c.1961A>G on transcript NM_000245.4 (MANE Select); coding-DNA position 1961, A replaced by G.
Protein change: p.Tyr654Cys; replaces tyrosine 654 with cysteine.
Molecular consequence: missense variant.
Genome position (GRCh38, 1-based): chr7:116,757,535, A>G. VCF-style: chr7-116757535-A-G. GRCh37 (hg19) VCF-style: chr7-116397589-A-G.
Other names: c.1961A>G, p.Tyr654Cys (NM_001127500.3, NM_001324401.3); c.671A>G, p.Tyr224Cys (NM_001324402.2); short protein forms Y654C, Y224C.
Identifiers: ClinVar variation 454203 (VCV000454203.11), dbSNP rs1554395399, ClinGen allele CA368979537.

ClinVar aggregate classification (germline): Uncertain significance. Review status: criteria provided, multiple submitters, no conflicts (2 of 4 stars). 2 submissions from 2 submitters: Uncertain significance (2). Last evaluated 2025-04-02.

Conditions:
Renal cell carcinoma. Identifiers: Orphanet 217071, MedGen C0007134, MeSH D002292, MONDO:0005086, HP:0005584.
Hereditary cancer-predisposing syndrome. Also called: Hereditary Cancer Syndrome; Hereditary neoplastic syndrome; Neoplastic Syndromes, Hereditary; Tumor predisposition. Identifiers: Orphanet 140162, MedGen C0027672, MeSH D009386, MONDO:0015356.

Allele frequency attached by ClinVar (database versions not stated): gnomAD exomes below 0.00001.
gnomAD v4.1: 1 of 1,613,246 alleles (0.000062%); highest among the groups gnomAD compares: Non-Finnish European, 0.000085%; no homozygotes.

Submissions (2):

Labcorp Genetics (formerly Invitae), Labcorp
Classification: Uncertain significance for Renal cell carcinoma. Last evaluated: 2025-04-02. Review status: criteria provided, single submitter. Criteria: Invitae Variant Classification Sherloc (09022015). Collection method: clinical testing. Allele origin: germline.
Comment: This sequence change replaces tyrosine, which is neutral and polar, with cysteine, which is neutral and slightly polar, at codon 654 of the MET protein (p.Tyr654Cys). This variant is not present in population databases (gnomAD no frequency). This variant has not been reported in the literature in individuals affected with MET-related conditions. ClinVar contains an entry for this variant (Variation ID: 454203). Invitae Evidence Modeling of protein sequence and biophysical properties (such as structural, functional, and spatial information, amino acid conservation, physicochemical variation, residue mobility, and thermodynamic stability) has been performed for this missense variant. However, the output from this modeling did not meet the statistical confidence thresholds required to predict the impact of this variant on MET protein function. In summary, the available evidence is currently insufficient to determine the role of this variant in disease. Therefore, it has been classified as a Variant of Uncertain Significance.

Ambry Genetics
Classification: Uncertain significance for Hereditary cancer-predisposing syndrome. Last evaluated: 2023-11-16. Review status: criteria provided, single submitter. Criteria: Ambry Variant Classification Scheme 2023. Collection method: clinical testing. Allele origin: germline.
Comment: The p.Y654C variant (also known as c.1961A>G), located in coding exon 6 of the MET gene, results from an A to G substitution at nucleotide position 1961. The tyrosine at codon 654 is replaced by cysteine, an amino acid with highly dissimilar properties. This amino acid position is highly conserved in available vertebrate species. In addition, this alteration is predicted to be deleterious by in silico analysis. Since supporting evidence is limited at this time, the clinical significance of this alteration remains unclear.